The following is an entry in ClinVar:

ClinVar aggregate classification (germline): Benign. Review status: criteria provided, multiple submitters, no conflicts (2 of 4 stars). 2 submissions from 2 submitters: Benign (2). Last evaluated 2018-01-13.

Conditions:
Cone-rod dystrophy 5 (CORD5). Identifiers: Orphanet 1872, MedGen C1832976, MONDO:0010969, OMIM 600977.

Allele frequency attached by ClinVar (database versions not stated): 1000 Genomes Project 0.00040; 1000 Genomes Project 30x 0.00187; gnomAD 0.00242 and 0.00252; TOPMed 0.00258; gnomAD exomes 0.00438; ExAC 0.00580.
gnomAD v4.1: 3,958 of 1,256,404 alleles (0.32%); highest among the groups gnomAD compares: Middle Eastern, 1.3%; 12 homozygotes.

Submissions (2):

Illumina Laboratory Services, Illumina
Classification: Benign for Cone-rod dystrophy 5. Last evaluated: 2018-01-13. Review status: criteria provided, single submitter. Criteria: ICSL Variant Classification Criteria 13 December 2019. Collection method: clinical testing. Allele origin: germline.
Comment: This variant was observed in the ICSL laboratory as part of a predisposition screen in an ostensibly healthy population. It had not been previously curated by ICSL or reported in the Human Gene Mutation Database (HGMD: prior to June 1st, 2018), and was therefore a candidate for classification through an automated scoring system. Utilizing variant allele frequency, disease prevalence and penetrance estimates, and inheritance mode, an automated score was calculated to assess if this variant is too frequent to cause the disease. Based on the score and internal cut-off values, a variant classified as benign is not then subjected to further curation. The score for this variant resulted in a classification of benign for this disease.

Breakthrough Genomics
Classification: Benign. Review status: criteria provided, single submitter. Criteria: ACMG Guidelines, 2015. Collection method: not provided. Allele origin: germline. Inheritance: Autosomal dominant inheritance. Affected: yes.

NM_031220.4(PITPNM3):c.-24C>T

Gene: PITPNM3 (PITPNM family member 3; minus strand). Cytogenetic location: 17p13.1.
Variant type: single nucleotide variant.
Coding change: c.-24C>T on transcript NM_031220.4 (MANE Select); 24 bases upstream of the start codon, C replaced by T.
Molecular consequence: 5 prime UTR variant.
Genome position (GRCh38, 1-based): chr17:6,556,430, G>A on the plus strand (C>T on the coding strand, the complement: PITPNM3 is on the minus strand). VCF-style: chr17-6556430-G-A. GRCh37 (hg19) VCF-style: chr17-6459750-G-A.
Other names: c.-24C>T (NM_001165966.2).
Identifiers: ClinVar variation 324773 (VCV000324773.6), dbSNP rs572344237, ClinGen allele CA8329984.